The following is an entry in ClinVar:

NM_001042432.2(CLN3):c.293C>T (p.Ala98Val)

Gene: CLN3 (CLN3 lysosomal/endosomal transmembrane protein, battenin; minus strand). Cytogenetic location: 16p12.1.
Variant type: single nucleotide variant.
Coding change: c.293C>T on transcript NM_001042432.2 (MANE Select); coding-DNA position 293, C replaced by T.
Protein change: p.Ala98Val; replaces alanine 98 with valine.
Molecular consequence: missense variant. On other transcripts: intron variant (2).
Genome position (GRCh38, 1-based): chr16:28,488,592, G>A on the plus strand (C>T on the coding strand, the complement: CLN3 is on the minus strand). VCF-style: chr16-28488592-G-A. GRCh37 (hg19) VCF-style: chr16-28499913-G-A.
Other names: c.293C>T, p.Ala98Val (NM_000086.2); c.73C>T, p.Leu25Phe (NM_001286105.2); c.131C>T, p.Ala44Val (NM_001286110.2); c.60+698C>T (NM_001286109.2); c.222+698C>T (NM_001286104.2); short protein forms L25F, A44V, A98V.
Identifiers: ClinVar variation 2047445 (VCV002047445.2), dbSNP rs1361279384, ClinGen allele CA395346178.

ClinVar aggregate classification (germline): Uncertain significance (1 of 4 stars; one submission).

Conditions:
Neuronal ceroid lipofuscinosis. Also called: Neuronal Ceroid Lipofuscinoses. Identifiers: Orphanet 216, Orphanet 79263, MedGen C0027877, MONDO:0016295. Disease mechanism: loss of function.

Allele frequency attached by ClinVar (database versions not stated): gnomAD exomes 0.00001.

Submission:

Labcorp Genetics (formerly Invitae), Labcorp
Classification: Uncertain significance for Neuronal ceroid lipofuscinosis. Last evaluated: 2025-01-13. Review status: criteria provided, single submitter. Criteria: Invitae Variant Classification Sherloc (09022015). Collection method: clinical testing. Allele origin: germline.
Comment: This sequence change replaces alanine, which is neutral and non-polar, with valine, which is neutral and non-polar, at codon 98 of the CLN3 protein (p.Ala98Val). This variant is present in population databases (no rsID available, gnomAD 0.003%). This variant has not been reported in the literature in individuals affected with CLN3-related conditions. ClinVar contains an entry for this variant (Variation ID: 2047445). Invitae Evidence Modeling of protein sequence and biophysical properties (such as structural, functional, and spatial information, amino acid conservation, physicochemical variation, residue mobility, and thermodynamic stability) indicates that this missense variant is expected to disrupt CLN3 protein function with a positive predictive value of 95%. Algorithms developed to predict the effect of sequence changes on RNA splicing suggest that this variant may disrupt the consensus splice site. In summary, the available evidence is currently insufficient to determine the role of this variant in disease. Therefore, it has been classified as a Variant of Uncertain Significance.